The following is an entry in ClinVar:

NM_000812.4(GABRB1):c.188T>C (p.Val63Ala)

Gene: GABRB1 (gamma-aminobutyric acid type A receptor subunit beta1; plus strand). Cytogenetic location: 4p12.
Variant type: single nucleotide variant.
Coding change: c.188T>C on transcript NM_000812.4 (MANE Select); coding-DNA position 188, T replaced by C.
Protein change: p.Val63Ala; replaces valine 63 with alanine.
Molecular consequence: missense variant.
Genome position (GRCh38, 1-based): chr4:47,032,432, T>C. VCF-style: chr4-47032432-T-C. GRCh37 (hg19) VCF-style: chr4-47034449-T-C.
Other names: short protein forms V63A.
Identifiers: ClinVar variation 1952147 (VCV001952147.5), dbSNP rs1725361913, ClinGen allele CA356805550.

ClinVar aggregate classification (germline): Uncertain significance (1 of 4 stars; one submission).

Submission:

Labcorp Genetics (formerly Invitae), Labcorp
Classification: Uncertain significance. Last evaluated: 2022-02-19. Review status: criteria provided, single submitter. Criteria: Invitae Variant Classification Sherloc (09022015). Collection method: clinical testing. Allele origin: germline.
Comment: This sequence change replaces valine, which is neutral and non-polar, with alanine, which is neutral and non-polar, at codon 63 of the GABRB1 protein (p.Val63Ala). This variant is not present in population databases (gnomAD no frequency). This variant has not been reported in the literature in individuals affected with GABRB1-related conditions. Advanced modeling of protein sequence and biophysical properties (such as structural, functional, and spatial information, amino acid conservation, physicochemical variation, residue mobility, and thermodynamic stability) performed at Invitae indicates that this missense variant is expected to disrupt GABRB1 protein function. In summary, the available evidence is currently insufficient to determine the role of this variant in disease. Therefore, it has been classified as a Variant of Uncertain Significance.